The following is an entry in ClinVar:

ClinVar aggregate classification (germline): Likely benign. Review status: criteria provided, single submitter (1 of 4 stars). 2 submissions from 2 submitters: Likely benign (1). 1 of the submissions does not count toward it. Last evaluated 2025-07-21.

Conditions:
SKIC3-related disorder. Also called: SKIC3-related condition.

Allele frequency attached by ClinVar (database versions not stated): TOPMed below 0.00001; gnomAD 0.00001; gnomAD exomes 0.00001.
gnomAD v4.1: 12 of 1,613,532 alleles (0.00074%); highest among the groups gnomAD compares: Admixed American, 0.0017%; no homozygotes.

Submissions (2):

Labcorp Genetics (formerly Invitae), Labcorp
Classification: Likely benign. Last evaluated: 2025-07-21. Review status: criteria provided, single submitter. Criteria: Invitae Variant Classification Sherloc (09022015). Collection method: clinical testing. Allele origin: germline.

PreventionGenetics, part of Exact Sciences
Classification: Likely benign for SKIC3-related condition. Last evaluated: 2020-06-12. Review status: no assertion criteria provided. Collection method: clinical testing. Allele origin: germline. Not counted in ClinVar's aggregate classification.
Comment: This variant is classified as likely benign based on ACMG/AMP sequence variant interpretation guidelines (Richards et al. 2015 PMID: 25741868, with internal and published modifications).

NM_014639.4(SKIC3):c.1110G>A (p.Glu370=)

Gene: SKIC3 (SKI3 subunit of superkiller complex; minus strand). Cytogenetic location: 5q15.
Variant type: single nucleotide variant.
Coding change: c.1110G>A on transcript NM_014639.4 (MANE Select); coding-DNA position 1110, G replaced by A.
Protein change: p.Glu370=; no amino-acid change (glutamic acid 370 retained).
Molecular consequence: synonymous variant.
Genome position (GRCh38, 1-based): chr5:95,528,037, C>T on the plus strand (G>A on the coding strand, the complement: SKIC3 is on the minus strand). VCF-style: chr5-95528037-C-T. GRCh37 (hg19) VCF-style: chr5-94863741-C-T.
Other names: c.1110G>A (NM_014639.3).
Identifiers: ClinVar variation 1566000 (VCV001566000.10), dbSNP rs1747653314, ClinGen allele CA445488325.